The following is an entry in ClinVar:

ClinVar aggregate classification (germline): Uncertain significance. Review status: criteria provided, multiple submitters, no conflicts (2 of 4 stars). 3 submissions from 3 submitters: Uncertain significance (3). Last evaluated 2025-03-15.

Conditions:
Hereditary cancer-predisposing syndrome. Also called: Neoplastic Syndromes, Hereditary; Hereditary neoplastic syndrome; Tumor predisposition; Hereditary Cancer Syndrome. Identifiers: Orphanet 140162, MedGen C0027672, MeSH D009386, MONDO:0015356.
POLD1-related polyposis and colorectal cancer syndrome (CRCS10). Also called: Colorectal cancer 10; COLORECTAL CANCER, SUSCEPTIBILITY TO, ON CHROMOSOME 19q; Colorectal cancer, susceptibility to, 10. Identifiers: Orphanet 220460, MedGen C2675481, MONDO:0012953, OMIM 612591.

Allele frequency attached by ClinVar (database versions not stated): TOPMed below 0.00001; gnomAD 0.00001.

Submissions (3):

Labcorp Genetics (formerly Invitae), Labcorp
Classification: Uncertain significance for POLD1-related polyposis and colorectal cancer syndrome. Last evaluated: 2025-03-15. Review status: criteria provided, single submitter. Criteria: Invitae Variant Classification Sherloc (09022015). Collection method: clinical testing. Allele origin: germline.
Comment: This sequence change replaces methionine, which is neutral and non-polar, with lysine, which is basic and polar, at codon 1081 of the POLD1 protein (p.Met1081Lys). This variant is present in population databases (rs774127655, gnomAD 0.0009%). This variant has not been reported in the literature in individuals affected with POLD1-related conditions. ClinVar contains an entry for this variant (Variation ID: 469332). Invitae Evidence Modeling of protein sequence and biophysical properties (such as structural, functional, and spatial information, amino acid conservation, physicochemical variation, residue mobility, and thermodynamic stability) indicates that this missense variant is not expected to disrupt POLD1 protein function with a negative predictive value of 80%. RNA analysis performed to evaluate the impact of this missense change on mRNA splicing indicates it does not significantly alter splicing (internal data). In summary, the available evidence is currently insufficient to determine the role of this variant in disease. Therefore, it has been classified as a Variant of Uncertain Significance.

Ambry Genetics
Classification: Uncertain significance for Hereditary cancer-predisposing syndrome. Last evaluated: 2025-01-22. Review status: criteria provided, single submitter. Criteria: Ambry Variant Classification Scheme 2023. Collection method: clinical testing. Allele origin: germline.
Comment: The p.M1081K variant (also known as c.3242T>A), located in coding exon 26 of the POLD1 gene, results from a T to A substitution at nucleotide position 3242. The methionine at codon 1081 is replaced by lysine, an amino acid with similar properties. This amino acid position is conserved. In addition, the in silico prediction for this alteration is inconclusive. Based on the available evidence, the clinical significance of this variant remains unclear.

Women's Health and Genetics/Laboratory Corporation of America, LabCorp
Classification: Uncertain significance. Last evaluated: 2025-01-13. Review status: criteria provided, single submitter. Criteria: LabCorp Variant Classification Summary - May 2015. Collection method: clinical testing. Allele origin: germline.

NM_002691.4(POLD1):c.3242T>A (p.Met1081Lys)

Gene: POLD1 (DNA polymerase delta 1, catalytic subunit; plus strand). Cytogenetic location: 19q13.33.
Variant type: single nucleotide variant.
Coding change: c.3242T>A on transcript NM_002691.4 (MANE Select); coding-DNA position 3242, T replaced by A.
Protein change: p.Met1081Lys; replaces methionine 1081 with lysine.
Molecular consequence: missense variant. On other transcripts: non-coding transcript variant (1).
Genome position (GRCh38, 1-based): chr19:50,417,865, T>A. VCF-style: chr19-50417865-T-A. GRCh37 (hg19) VCF-style: chr19-50921122-T-A.
Other names: c.3242T>A, p.Met1081Lys (NM_001256849.1); c.3320T>A, p.Met1107Lys (NM_001308632.1); c.3242T>A (NM_002691.2); short protein forms M1081K, M1107K.
Identifiers: ClinVar variation 469332 (VCV000469332.14), dbSNP rs774127655, ClinGen allele CA9596828.